The following is an entry in ClinVar:

NM_001371623.1(TCOF1):c.1820A>G (p.Asn607Ser)

Gene: TCOF1 (treacle ribosome biogenesis factor 1; plus strand). Cytogenetic location: 5q32.
Variant type: single nucleotide variant.
Coding change: c.1820A>G on transcript NM_001371623.1 (MANE Select); coding-DNA position 1820, A replaced by G.
Protein change: p.Asn607Ser; replaces asparagine 607 with serine.
Molecular consequence: missense variant.
Genome position (GRCh38, 1-based): chr5:150,375,836, A>G. VCF-style: chr5-150375836-A-G. GRCh37 (hg19) VCF-style: chr5-149755399-A-G.
Other names: c.1589A>G, p.Asn530Ser (NM_000356.4, NM_001135245.2); c.1820A>G, p.Asn607Ser (NM_001008657.3, NM_001135243.2, NM_001135244.2 and 1 more transcripts); short protein forms N530S, N607S.
Identifiers: ClinVar variation 2629291 (VCV002629291.6), dbSNP rs777672775, ClinGen allele CA3511011.

ClinVar aggregate classification (germline): Uncertain significance. Review status: criteria provided, multiple submitters, no conflicts (2 of 4 stars). 3 submissions from 3 submitters: Uncertain significance (3). Last evaluated 2025-04-22.

Conditions:
Inborn genetic diseases. Identifiers: MedGen C0950123, MeSH D030342.
TCOF1-related disorder. Also called: TCOF1-related condition.
Treacher Collins syndrome 1 (TCS1). Also called: TCOF1-Related Treacher Collins Syndrome. Identifiers: Orphanet 861, MedGen CN315775, MONDO:0007944, OMIM 154500.

Allele frequency attached by ClinVar (database versions not stated): ExAC 0.00001.
gnomAD v4.1: 4 of 1,614,016 alleles (0.00025%); highest among the groups gnomAD compares: Admixed American, 0.0033%; no homozygotes.

Submissions (3):

PreventionGenetics, part of Exact Sciences
Classification: Uncertain significance for TCOF1-related condition. Last evaluated: 2025-04-22. Review status: criteria provided, single submitter. Criteria: ACMG Guidelines, 2015. Collection method: clinical testing. Allele origin: germline.
Comment: The TCOF1 c.1820A>G variant is predicted to result in the amino acid substitution p.Asn607Ser. To our knowledge, this variant has not been reported in the literature. This variant is reported in 0.0058% of alleles in individuals of Latino descent in gnomAD. At this time, the clinical significance of this variant is uncertain due to the absence of conclusive functional and genetic evidence.

Labcorp Genetics (formerly Invitae), Labcorp
Classification: Uncertain significance for Treacher Collins syndrome 1. Last evaluated: 2025-03-31. Review status: criteria provided, single submitter. Criteria: Invitae Variant Classification Sherloc (09022015). Collection method: clinical testing. Allele origin: germline.
Comment: This sequence change replaces asparagine, which is neutral and polar, with serine, which is neutral and polar, at codon 607 of the TCOF1 protein (p.Asn607Ser). This variant is present in population databases (rs777672775, gnomAD 0.006%). This variant has not been reported in the literature in individuals affected with TCOF1-related conditions. ClinVar contains an entry for this variant (Variation ID: 2629291). Invitae Evidence Modeling of protein sequence and biophysical properties (such as structural, functional, and spatial information, amino acid conservation, physicochemical variation, residue mobility, and thermodynamic stability) indicates that this missense variant is not expected to disrupt TCOF1 protein function with a negative predictive value of 80%. In summary, the available evidence is currently insufficient to determine the role of this variant in disease. Therefore, it has been classified as a Variant of Uncertain Significance.

Ambry Genetics
Classification: Uncertain significance for Inborn genetic diseases. Last evaluated: 2025-02-05. Review status: criteria provided, single submitter. Criteria: Ambry Variant Classification Scheme 2023. Collection method: clinical testing. Allele origin: germline.